The following is an entry in ClinVar:

ClinVar aggregate classification (germline): Uncertain significance (1 of 4 stars; one submission).

Conditions:
Perlman syndrome (PRLMNS). Identifiers: Orphanet 2849, MedGen C0796113, MONDO:0009965, OMIM 267000.

Allele frequency attached by ClinVar (database versions not stated): TOPMed 0.00002.
gnomAD v4.1: 1 of 1,614,178 alleles (0.000062%); no homozygotes.

Submission:

Labcorp Genetics (formerly Invitae), Labcorp
Classification: Uncertain significance for Perlman syndrome. Last evaluated: 2023-07-17. Review status: criteria provided, single submitter. Criteria: Invitae Variant Classification Sherloc (09022015). Collection method: clinical testing. Allele origin: germline.
Comment: This variant is present in population databases (no rsID available, gnomAD 0.007%). This sequence change replaces arginine, which is basic and polar, with serine, which is neutral and polar, at codon 487 of the DIS3L2 protein (p.Arg487Ser). In summary, the available evidence is currently insufficient to determine the role of this variant in disease. Therefore, it has been classified as a Variant of Uncertain Significance. Advanced modeling of protein sequence and biophysical properties (such as structural, functional, and spatial information, amino acid conservation, physicochemical variation, residue mobility, and thermodynamic stability) performed at Invitae indicates that this missense variant is not expected to disrupt DIS3L2 protein function. ClinVar contains an entry for this variant (Variation ID: 855616). This variant has not been reported in the literature in individuals affected with DIS3L2-related conditions.

NM_152383.5(DIS3L2):c.1459C>A (p.Arg487Ser)

Gene: DIS3L2 (DIS3 like 3'-5' exoribonuclease 2; plus strand). Cytogenetic location: 2q37.1.
Variant type: single nucleotide variant.
Coding change: c.1459C>A on transcript NM_152383.5 (MANE Select); coding-DNA position 1459, C replaced by A.
Protein change: p.Arg487Ser; replaces arginine 487 with serine.
Molecular consequence: missense variant. On other transcripts: non-coding transcript variant (2).
Genome position (GRCh38, 1-based): chr2:232,263,240, C>A. VCF-style: chr2-232263240-C-A. GRCh37 (hg19) VCF-style: chr2-233127950-C-A.
Other names: c.1459C>A, p.Arg487Ser (NM_001257281.2); short protein forms R487S.
Identifiers: ClinVar variation 855616 (VCV000855616.9), dbSNP rs376340398, ClinGen allele CA350975216.
Genomic context (GRCh38, chr2:232,263,240, plus strand): 5'-TCCCTTGTAATCTGTCCATCTTTGCAGATCCTTGATGAATGGTTTGGCCGGACCATCATC[C>A]GCTCCTGCACCAAACTTAGCTACGAGCATGCACAGAGCATGATTGAAAGCCCAACTGAGA-3'
Protein context (NP_689596.4, residues 477-497): LDEWFGRTII[Arg487Ser]SCTKLSYEHA